The following is an entry in ClinVar:

NM_000393.5(COL5A2):c.3363+1G>T

Gene: COL5A2 (collagen type V alpha 2 chain; minus strand). Cytogenetic location: 2q32.2.
Variant type: single nucleotide variant.
Coding change: c.3363+1G>T on transcript NM_000393.5 (MANE Select); the canonical splice donor site of the intron after coding-DNA position 3363, G replaced by T.
Molecular consequence: splice donor variant.
Genome position (GRCh38, 1-based): chr2:189,045,178, C>A on the plus strand (G>T on the coding strand, the complement: COL5A2 is on the minus strand). VCF-style: chr2-189045178-C-A. GRCh37 (hg19) VCF-style: chr2-189909904-C-A.
Identifiers: ClinVar variation 3647995 (VCV003647995.2).

ClinVar aggregate classification (germline): Likely pathogenic (1 of 4 stars; one submission).

Conditions:
Ehlers-Danlos syndrome, classic type, 1 (EDSCL1). Also called: EHLERS-DANLOS SYNDROME, GRAVIS TYPE; EHLERS-DANLOS SYNDROME, SEVERE CLASSIC TYPE; Ehlers-Danlos syndrome, type 1; Ehlers-Danlos Syndrome, Classic Type, COL5A1-Related; EDS I. Identifiers: MedGen C0268335, MONDO:0019567, OMIM 130000.

gnomAD v4.1: 1 of 1,599,926 alleles (0.000063%); highest among the groups gnomAD compares: Non-Finnish European, 0.000085%; no homozygotes.

Submission:

Labcorp Genetics (formerly Invitae), Labcorp
Classification: Likely pathogenic for Ehlers-Danlos syndrome, classic type, 1. Last evaluated: 2024-03-28. Review status: criteria provided, single submitter. Criteria: Invitae Variant Classification Sherloc (09022015). Collection method: clinical testing. Allele origin: germline.
Comment: This sequence change affects a donor splice site in intron 47 of the COL5A2 gene. It is expected to disrupt RNA splicing. Variants that disrupt the donor or acceptor splice site typically lead to a loss of protein function (PMID: 16199547), and loss-of-function variants in COL5A2 are known to be pathogenic (PMID: 23587214). This variant is not present in population databases (gnomAD no frequency). This variant has not been reported in the literature in individuals affected with COL5A2-related conditions. Algorithms developed to predict the effect of sequence changes on RNA splicing suggest that this variant may disrupt the consensus splice site. In summary, the currently available evidence indicates that the variant is pathogenic, but additional data are needed to prove that conclusively. Therefore, this variant has been classified as Likely Pathogenic.

Literature cited by the submitters: PubMed 16199547; PubMed 23587214.